The following is an entry in ClinVar:

NM_152443.3(RDH12):c.691G>A (p.Gly231Ser)

Genes: GPHN (gephyrin; plus strand), ZFYVE26 (zinc finger FYVE-type containing 26; minus strand), RDH12 (retinol dehydrogenase 12; plus strand). Cytogenetic location: 14q24.1.
Variant type: single nucleotide variant.
Coding change: c.691G>A on transcript NM_152443.3 (MANE Select); coding-DNA position 691, G replaced by A.
Protein change: p.Gly231Ser; replaces glycine 231 with serine.
Molecular consequence: missense variant.
Genome position (GRCh38, 1-based): chr14:67,729,223, G>A. VCF-style: chr14-67729223-G-A. GRCh37 (hg19) VCF-style: chr14-68195940-G-A.
Other names: short protein forms G231S.
Identifiers: ClinVar variation 3708504 (VCV003708504.2).

ClinVar aggregate classification (germline): Uncertain significance (1 of 4 stars; one submission).

Conditions:
Leber congenital amaurosis 13 (LCA13). Identifiers: MedGen C2675186, MONDO:0012990, OMIM 612712.

Submission:

Labcorp Genetics (formerly Invitae), Labcorp
Classification: Uncertain significance for Leber congenital amaurosis 13. Last evaluated: 2024-11-15. Review status: criteria provided, single submitter. Criteria: Invitae Variant Classification Sherloc (09022015). Collection method: clinical testing. Allele origin: germline.
Comment: This sequence change replaces glycine, which is neutral and non-polar, with serine, which is neutral and polar, at codon 231 of the RDH12 protein (p.Gly231Ser). This variant is not present in population databases (gnomAD no frequency). This variant has not been reported in the literature in individuals affected with RDH12-related conditions. Invitae Evidence Modeling of protein sequence and biophysical properties (such as structural, functional, and spatial information, amino acid conservation, physicochemical variation, residue mobility, and thermodynamic stability) indicates that this missense variant is expected to disrupt RDH12 protein function with a positive predictive value of 80%. In summary, the available evidence is currently insufficient to determine the role of this variant in disease. Therefore, it has been classified as a Variant of Uncertain Significance.